The following is an entry in ClinVar:

ClinVar aggregate classification (germline): Likely benign (0 of 4 stars; one submission).

Conditions:
DGKD-related disorder. Also called: DGKD-related condition.

Allele frequency attached by ClinVar (database versions not stated): 1000 Genomes Project 30x 0.00078; 1000 Genomes Project 0.00100; ESP Exome Variant Server 0.00108.
gnomAD v4.1: 210 of 1,613,520 alleles (0.013%); highest among the groups gnomAD compares: African/African-American, 0.24%; no homozygotes.

Submission:

PreventionGenetics, part of Exact Sciences
Classification: Likely benign for DGKD-related condition. Last evaluated: 2022-07-21. Review status: no assertion criteria provided. Collection method: clinical testing. Allele origin: germline.
Comment: This variant is classified as likely benign based on ACMG/AMP sequence variant interpretation guidelines (Richards et al. 2015 PMID: 25741868, with internal and published modifications).

NM_152879.3(DGKD):c.3295G>T (p.Gly1099Cys)

Gene: DGKD (diacylglycerol kinase delta; plus strand). Cytogenetic location: 2q37.1.
Variant type: single nucleotide variant.
Coding change: c.3295G>T on transcript NM_152879.3 (MANE Select); coding-DNA position 3295, G replaced by T.
Protein change: p.Gly1099Cys; replaces glycine 1099 with cysteine.
Molecular consequence: missense variant.
Genome position (GRCh38, 1-based): chr2:233,464,272, G>T. VCF-style: chr2-233464272-G-T. GRCh37 (hg19) VCF-style: chr2-234372918-G-T.
Other names: c.2896G>T, p.Gly966Cys (NM_001377259.1); c.3163G>T, p.Gly1055Cys (NM_003648.3); short protein forms G1055C, G1099C, G966C.
Identifiers: ClinVar variation 3035759 (VCV003035759.2), dbSNP rs151057884, ClinGen allele CA2176003.